The following is an entry in ClinVar:

NM_001128840.3(CACNA1D):c.396A>G (p.Ile132Met)

Gene: CACNA1D (calcium voltage-gated channel subunit alpha1 D; plus strand). Cytogenetic location: 3p21.1.
Variant type: single nucleotide variant.
Coding change: c.396A>G on transcript NM_001128840.3 (MANE Select); coding-DNA position 396, A replaced by G.
Protein change: p.Ile132Met; replaces isoleucine 132 with methionine.
Molecular consequence: missense variant.
Genome position (GRCh38, 1-based): chr3:53,501,633, A>G. VCF-style: chr3-53501633-A-G. GRCh37 (hg19) VCF-style: chr3-53535660-A-G.
Other names: c.396A>G, p.Ile132Met (NM_000720.4, NM_001128839.3); short protein forms I132M.
Identifiers: ClinVar variation 4807547 (VCV004807547.1).
Genomic context (GRCh38, chr3:53,501,633, plus strand): 5'-TATGTTTCCATAACACATATATACCTTAACACATTTTTTCAGACCATTTGACATATTTAT[A>G]TTATTGGCTATTTTTGCCAATTGTGTGGCCTTAGCTATTTACATCCCATTCCCTGAAGAT-3'
Protein context (NP_001122312.1, residues 122-142): IVEWKPFDIF[Ile132Met]LLAIFANCVA

ClinVar aggregate classification (germline): Uncertain significance (1 of 4 stars; one submission).

Submission:

Labcorp Genetics (formerly Invitae), Labcorp
Classification: Uncertain significance. Last evaluated: 2025-12-04. Review status: criteria provided, single submitter. Criteria: Invitae Variant Classification Sherloc (09022015). Collection method: clinical testing. Allele origin: germline.
Comment: This sequence change replaces isoleucine, which is neutral and non-polar, with methionine, which is neutral and non-polar, at codon 132 of the CACNA1D protein (p.Ile132Met). This variant is not present in population databases (gnomAD no frequency). This variant has not been reported in the literature in individuals affected with CACNA1D-related conditions. Invitae Evidence Modeling of protein sequence and biophysical properties (such as structural, functional, and spatial information, amino acid conservation, physicochemical variation, residue mobility, and thermodynamic stability) has been performed for this missense variant. However, the output from this modeling did not meet the statistical confidence thresholds required to predict the impact of this variant on CACNA1D protein function. In summary, the available evidence is currently insufficient to determine the role of this variant in disease. Therefore, it has been classified as a Variant of Uncertain Significance.